The following is an entry in ClinVar:

NM_000045.4(ARG1):c.305+1G>A

Genes: ARG1 (arginase 1; plus strand), MED23 (mediator complex subunit 23; minus strand). Cytogenetic location: 6q23.2.
Variant type: single nucleotide variant.
Coding change: c.305+1G>A on transcript NM_000045.4 (MANE Select); the canonical splice donor site of the intron after coding-DNA position 305, G replaced by A.
Molecular consequence: splice donor variant. On other transcripts: intron variant (2).
Genome position (GRCh38, 1-based): chr6:131,579,286, G>A. VCF-style: chr6-131579286-G-A. GRCh37 (hg19) VCF-style: chr6-131900426-G-A.
Other names: c.329+1G>A (NM_001244438.2); c.305+1G>A (NM_001369020.1); c.4078-4991C>T (NM_001270521.2); c.4096-4991C>T (NM_015979.4).
Identifiers: ClinVar variation 1343393 (VCV001343393.5), dbSNP rs112432420, ClinGen allele CA365650878.

ClinVar aggregate classification (germline): Pathogenic (1 of 4 stars; one submission).

Conditions:
Arginase deficiency. Also called: ARGININEMIA; ARG1 DEFICIENCY; Arginase 1 Deficiency. Identifiers: Orphanet 90, MedGen C0268548, MONDO:0008814, OMIM 207800.

Allele frequency attached by ClinVar (database versions not stated): gnomAD exomes below 0.00001.
gnomAD v4.1: 1 of 1,613,930 alleles (0.000062%); highest among the groups gnomAD compares: South Asian, 0.0011%; no homozygotes.

Submission:

Genetic Medico-Diagnostic Laboratory Genica
Classification: Pathogenic for Arginase deficiency. Last evaluated: 2022-02-24. Review status: criteria provided, single submitter. Criteria: ACMG Guidelines, 2015. Collection method: clinical testing. Allele origin: biparental. Inheritance: Autosomal recessive inheritance. Affected: yes. Observed: 1 homozygote. Segregation with disease observed.
Comment: The variant was classified as pathogenic according to the ACMG Guidelines, 2015. The variant was not found in the control populations from the gnomAD v2.1.1 project.